The following is an entry in ClinVar:

ClinVar aggregate classification (germline): Uncertain significance (1 of 4 stars; one submission).

gnomAD v4.1: 4 of 1,439,518 alleles (0.00028%); highest among the groups gnomAD compares: Non-Finnish European, 0.00029%; no homozygotes.

Submission:

CeGaT Center for Human Genetics Tuebingen
Classification: Uncertain significance. Last evaluated: 2024-11-01. Review status: criteria provided, single submitter. Criteria: CeGaT Center For Human Genetics Tuebingen Variant Classification Criteria Version 2. Collection method: clinical testing. Allele origin: germline. Affected: yes. Observed: 1 variant allele.
Comment: SEC23B: PM2, PP3

NM_006363.6(SEC23B):c.1743+3A>C

Gene: SEC23B (SEC23 homolog B, COPII component; plus strand). Cytogenetic location: 20p11.23.
Variant type: single nucleotide variant.
Coding change: c.1743+3A>C on transcript NM_006363.6 (MANE Select); 3 bases into the intron after coding-DNA position 1743, A replaced by C.
Molecular consequence: intron variant.
Genome position (GRCh38, 1-based): chr20:18,546,036, A>C. VCF-style: chr20-18546036-A-C. GRCh37 (hg19) VCF-style: chr20-18526680-A-C.
Other names: c.1743+3A>C (NM_032986.5, NM_001172745.3, NM_032985.6); c.1689+3A>C (NM_001172746.3).
Identifiers: ClinVar variation 3388739 (VCV003388739.14).